The following is an entry in ClinVar:

NM_003921.5(BCL10):c.322A>G (p.Asn108Asp)

Gene: BCL10 (BCL10 immune signaling adaptor; minus strand). Cytogenetic location: 1p22.3.
Variant type: single nucleotide variant.
Coding change: c.322A>G on transcript NM_003921.5 (MANE Select); coding-DNA position 322, A replaced by G.
Protein change: p.Asn108Asp; replaces asparagine 108 with aspartic acid.
Molecular consequence: missense variant.
Genome position (GRCh38, 1-based): chr1:85,270,642, T>C on the plus strand (A>G on the coding strand, the complement: BCL10 is on the minus strand). VCF-style: chr1-85270642-T-C. GRCh37 (hg19) VCF-style: chr1-85736325-T-C.
Other names: c.322A>G, p.Asn108Asp (NM_001320715.2); short protein forms N108D.
Identifiers: ClinVar variation 953216 (VCV000953216.1), dbSNP rs1660345284, ClinGen allele CA340951040.
Genomic context (GRCh38, chr1:85,270,642, plus strand): 5'-ATTTAAATTAGCTCTTAGATAATTAAGATATCTTACCTTTCAGATGTTCTAGTTTTATAT[T>C]TCTAAGTTTCAGCACTTCATCTGTAATCTTCTGTATCAGGAAGTTCTGTGTTTTTTCTCG-3'
Protein context (NP_003912.1, residues 98-118): KITDEVLKLR[Asn108Asp]IKLEHLKGLK

ClinVar aggregate classification (germline): Uncertain significance (1 of 4 stars; one submission).

Conditions:
Immunodeficiency 37 (IMD37). Identifiers: MedGen C4015195, MONDO:0014491, OMIM 616098.

Submission:

Labcorp Genetics (formerly Invitae), Labcorp
Classification: Uncertain significance for Immunodeficiency 37. Last evaluated: 2019-11-12. Review status: criteria provided, single submitter. Criteria: Invitae Variant Classification Sherloc (09022015). Collection method: clinical testing. Allele origin: germline.
Comment: This sequence change replaces asparagine with aspartic acid at codon 108 of the BCL10 protein (p.Asn108Asp). The asparagine residue is highly conserved and there is a small physicochemical difference between asparagine and aspartic acid. This variant is not present in population databases (ExAC no frequency). This variant has not been reported in the literature in individuals with BCL10-related conditions. Algorithms developed to predict the effect of missense changes on protein structure and function (SIFT, PolyPhen-2, Align-GVGD) all suggest that this variant is likely to be tolerated, but these predictions have not been confirmed by published functional studies and their clinical significance is uncertain. In summary, the available evidence is currently insufficient to determine the role of this variant in disease. Therefore, it has been classified as a Variant of Uncertain Significance.